The following is an entry in ClinVar:

ClinVar aggregate classification (germline): Pathogenic. Review status: reviewed by expert panel (3 of 4 stars). 5 submissions from 5 submitters: Pathogenic (1). 4 of the submissions do not count toward it. Last evaluated 2024-09-17.

Conditions:
Cardio-facio-cutaneous syndrome. Also called: Cardiofaciocutaneous syndrome; CFC syndrome. Identifiers: Orphanet 1340, MedGen C1275081, MONDO:0015280. Disease mechanism: gain of function.
Noonan syndrome and Noonan-related syndrome. Identifiers: Orphanet 98733, MedGen C5681679, MONDO:0020297.
RASopathy. Also called: Noonan spectrum disorder; rasopathies. Identifiers: Orphanet 536391, MedGen C5555857, MONDO:0021060.

Submissions (5):

ClinGen RASopathy Variant Curation Expert Panel
Classification: Pathogenic for RASopathy. Last evaluated: 2024-09-17. Review status: reviewed by expert panel. Criteria: ClinGen RASopathy ACMG Specifications MAP2K1 V2.1.0. Collection method: curation. Allele origin: germline. Inheritance: Autosomal dominant inheritance.
Comment: The c.275T>G variant in the MAP2K1 gene is a missense variant predicted to cause substitution of leucine by arginine at amino acid 92 (p.Leu92Arg). This variant is absent from gnomAD v4.1.0 (PM2_Supporting). The computational predictor REVEL gives a score of 0.793 (PP3). The variant is located in the MAP2K1 gene, which has been defined by the ClinGen RASopathy Expert Panel as a gene with a low rate of benign missense variants and pathogenic missense variants are common (PP2). This variant has been reported in 4 independent patients with clinical feature of a RASopathy, 1 as a confirmed de novo occurrence and 2 as unconfirmed de novo occurrences (PS4_Moderate, PM6_VeryStrong; GeneDx, APHP-Robert Debré hospital, Laboratory for Molecular Medicine internal data; ClinVar SCV000207940.11, SCV000965969.1, SCV000061251.5, PMID: 35524774). In summary, this variant meets criteria to be classified as pathogenic for autosomal dominant RASopathies based on ACMG/AMP criteria applied, as specified by the ClinGen RASopathy Variant Curation Expert Panel: PM6_VeryStrong, PS4_Moderate, PM2_Supporting, PP2, PP3 (Specification Version 2.1, 09/17/2024)

Laboratory for Molecular Medicine, Mass General Brigham Personalized Medicine
Classification: Likely pathogenic for Cardio-facio-cutaneous syndrome. Last evaluated: 2019-02-11. Review status: criteria provided, single submitter. Criteria: LMM Criteria. Collection method: clinical testing. Allele origin: germline. Inheritance: Autosomal dominant inheritance. Observed: 1 variant allele. Not counted in ClinVar's aggregate classification.
Comment: proposed classification - variant undergoing re-assessment, contact laboratory

GeneDx
Classification: Likely pathogenic. Last evaluated: 2017-01-13. Review status: criteria provided, single submitter. Criteria: GeneDx Variant Classification (06012015). Collection method: clinical testing. Allele origin: germline. Affected: yes. Not counted in ClinVar's aggregate classification.
Comment: A novel L92R variant that is likely pathogenic was identified in the MAP2K1 gene. It has not been published as a pathogenic variant, nor has it been reported as a benign variant to our knowledge. It has, however, been observed to be inherited in an apparently de novo manner in two patients tested at GeneDx. The variant was not observed in approximately 6,500 individuals of European and African American ancestry in the NHLBI Exome Sequencing Project, indicating it is not a common benign variant in these populations. L92R is a non-conservative amino acid substitution, which is likely to impact secondary protein structure as these residues differ in polarity, charge, size and/or other properties. This substitution occurs at a position that is conserved across species; however, in in silico analysis is inconsistent in its predictions as to whether or not the variant is damaging to the protein structure/function. Therefore, this variant is likely pathogenic; however, the possibility that it is benign cannot be excluded.

Genome Diagnostics Laboratory, The Hospital for Sick Children
Classification: Uncertain significance for Noonan syndrome and Noonan-related syndrome. Last evaluated: 2016-12-12. Review status: criteria provided, single submitter. Criteria: ACMG Guidelines, 2015. Collection method: clinical testing. Allele origin: germline. Not counted in ClinVar's aggregate classification.

Service de Génétique Moléculaire, Hôpital Robert Debré
Classification: Likely pathogenic for Cardio-facio-cutaneous syndrome. Review status: no assertion criteria provided. Collection method: clinical testing. Allele origin: de novo. Affected: yes. Not counted in ClinVar's aggregate classification.

NM_002755.4(MAP2K1):c.275T>G (p.Leu92Arg)

Gene: MAP2K1 (mitogen-activated protein kinase kinase 1; plus strand). Cytogenetic location: 15q22.31.
Variant type: single nucleotide variant.
Coding change: c.275T>G on transcript NM_002755.4 (MANE Select); coding-DNA position 275, T replaced by G.
Protein change: p.Leu92Arg; replaces leucine 92 with arginine.
Molecular consequence: missense variant.
Genome position (GRCh38, 1-based): chr15:66,435,221, T>G. VCF-style: chr15-66435221-T-G. GRCh37 (hg19) VCF-style: chr15-66727559-T-G.
Other names: p.L92R:CTG>CGG; NM_002755.3(MAP2K1):c.275T>G; NM_002755.4(MAP2K1):c.275T>G; short protein forms L92R.
Identifiers: ClinVar variation 44588 (VCV000044588.12), dbSNP rs397516791, ClinGen allele CA134601.
Genomic context (GRCh38, chr15:66,435,221, plus strand): 5'-GTGAGCTGGGGGCTGGCAATGGCGGTGTGGTGTTCAAGGTCTCCCACAAGCCTTCTGGCC[T>G]GGTCATGGCCAGAAAGGTGAGTTTGCCTTGATTAACAGGTAATTGGATTATTTCTCAGGG-3'
Protein context (NP_002746.1, residues 82-102): VFKVSHKPSG[Leu92Arg]VMARKLIHLE